The following is an entry in ClinVar:

ClinVar aggregate classification (germline): Uncertain significance (1 of 4 stars; one submission).

Submission:

Ambry Genetics
Classification: Uncertain significance. Last evaluated: 2025-10-14. Review status: criteria provided, single submitter. Criteria: Ambry Variant Classification Scheme 2023. Collection method: clinical testing. Allele origin: germline.
Comment: The p.D280H variant (also known as c.838G>C), located in coding exon 4 of the GALNT12 gene, results from a G to C substitution at nucleotide position 838. The aspartic acid at codon 280 is replaced by histidine, an amino acid with similar properties. This amino acid position is conserved. In addition, this alteration is predicted to be deleterious by in silico analysis. Based on the available evidence, the clinical significance of this variant remains unclear.

NM_024642.5(GALNT12):c.838G>C (p.Asp280His)

Gene: GALNT12 (polypeptide N-acetylgalactosaminyltransferase 12; plus strand). Cytogenetic location: 9q22.33.
Variant type: single nucleotide variant.
Coding change: c.838G>C on transcript NM_024642.5 (MANE Select); coding-DNA position 838, G replaced by C.
Protein change: p.Asp280His; replaces aspartic acid 280 with histidine.
Molecular consequence: missense variant.
Genome position (GRCh38, 1-based): chr9:98,831,878, G>C. VCF-style: chr9-98831878-G-C. GRCh37 (hg19) VCF-style: chr9-101594160-G-C.
Other names: short protein forms D280H.
Identifiers: ClinVar variation 4670619 (VCV004670619.1).